The following is an entry in ClinVar:

ClinVar aggregate classification (germline): Likely benign. Review status: criteria provided, multiple submitters, no conflicts (2 of 4 stars). 2 submissions from 2 submitters: Likely benign (2). Last evaluated 2023-07-01.

Conditions:
Inborn genetic diseases. Identifiers: MedGen C0950123, MeSH D030342.

Allele frequency attached by ClinVar (database versions not stated): gnomAD 0.00001; gnomAD exomes 0.00001; ExAC 0.00002; TOPMed 0.00003.
gnomAD v4.1: 24 of 1,614,110 alleles (0.0015%); highest among the groups gnomAD compares: Middle Eastern, 0.016%; no homozygotes.

Submissions (2):

CeGaT Center for Human Genetics Tuebingen
Classification: Likely benign. Last evaluated: 2023-07-01. Review status: criteria provided, single submitter. Criteria: CeGaT Center For Human Genetics Tuebingen Variant Classification Criteria Version 2. Collection method: clinical testing. Allele origin: germline. Affected: yes. Observed: 1 variant allele.
Comment: EPAS1: BP4, BP7

Ambry Genetics
Classification: Likely benign for Inborn genetic diseases. Last evaluated: 2022-03-11. Review status: criteria provided, single submitter. Criteria: Ambry Variant Classification Scheme 2023. Collection method: clinical testing. Allele origin: germline.

NM_001430.5(EPAS1):c.972G>A (p.Thr324=)

Gene: EPAS1 (endothelial PAS domain protein 1; plus strand). Cytogenetic location: 2p21.
Variant type: single nucleotide variant.
Coding change: c.972G>A on transcript NM_001430.5 (MANE Select); coding-DNA position 972, G replaced by A.
Protein change: p.Thr324=; no amino-acid change (threonine 324 retained).
Molecular consequence: synonymous variant.
Genome position (GRCh38, 1-based): chr2:46,375,775, G>A. VCF-style: chr2-46375775-G-A. GRCh37 (hg19) VCF-style: chr2-46602914-G-A.
Identifiers: ClinVar variation 1768012 (VCV001768012.26), dbSNP rs752214295, ClinGen allele CA1644831.